The following is an entry in ClinVar:

NM_000465.4(BARD1):c.985T>G (p.Ser329Ala)

Gene: BARD1 (BRCA1 associated RING domain 1; minus strand). Cytogenetic location: 2q35.
Variant type: single nucleotide variant.
Coding change: c.985T>G on transcript NM_000465.4 (MANE Select); coding-DNA position 985, T replaced by G.
Protein change: p.Ser329Ala; replaces serine 329 with alanine.
Molecular consequence: missense variant. On other transcripts: non-coding transcript variant (2), intron variant (3).
Genome position (GRCh38, 1-based): chr2:214,780,889, A>C on the plus strand (T>G on the coding strand, the complement: BARD1 is on the minus strand). VCF-style: chr2-214780889-A-C. GRCh37 (hg19) VCF-style: chr2-215645613-A-C.
Other names: c.928T>G, p.Ser310Ala (NM_001282543.2); c.159-28334T>G (NM_001282548.2); c.215+16172T>G (NM_001282545.2); c.364+11408T>G (NM_001282549.2); short protein forms S329A, S310A.
Identifiers: ClinVar variation 823520 (VCV000823520.16), dbSNP rs769493354, ClinGen allele CA350454517.

ClinVar aggregate classification (germline): Uncertain significance. Review status: criteria provided, multiple submitters, no conflicts (2 of 4 stars). 3 submissions from 3 submitters: Uncertain significance (3). Last evaluated 2025-12-05.

Conditions:
Hereditary cancer-predisposing syndrome. Also called: Tumor predisposition; Hereditary Cancer Syndrome; Neoplastic Syndromes, Hereditary; Hereditary neoplastic syndrome. Identifiers: Orphanet 140162, MedGen C0027672, MeSH D009386, MONDO:0015356.
Familial cancer of breast. Also called: BREAST CANCER, FAMILIAL; Hereditary breast cancer; hereditary breast carcinoma. Identifiers: Orphanet 227535, MedGen C0346153, MONDO:0016419, OMIM 114480. Disease mechanism: loss of function.

Submissions (3):

Labcorp Genetics (formerly Invitae), Labcorp
Classification: Uncertain significance for Familial cancer of breast. Last evaluated: 2025-12-05. Review status: criteria provided, single submitter. Criteria: Invitae Variant Classification Sherloc (09022015). Collection method: clinical testing. Allele origin: germline.
Comment: This sequence change replaces serine, which is neutral and polar, with alanine, which is neutral and non-polar, at codon 329 of the BARD1 protein (p.Ser329Ala). This variant is not present in population databases (gnomAD no frequency). This variant has not been reported in the literature in individuals affected with BARD1-related conditions. ClinVar contains an entry for this variant (Variation ID: 823520). An algorithm developed to predict the effect of missense changes on protein structure and function (PolyPhen-2) suggests that this variant is likely to be tolerated. In summary, the available evidence is currently insufficient to determine the role of this variant in disease. Therefore, it has been classified as a Variant of Uncertain Significance.

Ambry Genetics
Classification: Uncertain significance for Hereditary cancer-predisposing syndrome. Last evaluated: 2023-12-29. Review status: criteria provided, single submitter. Criteria: Ambry Variant Classification Scheme 2023. Collection method: clinical testing. Allele origin: germline.
Comment: The p.S329A variant (also known as c.985T>G), located in coding exon 4 of the BARD1 gene, results from a T to G substitution at nucleotide position 985. The serine at codon 329 is replaced by alanine, an amino acid with similar properties. This amino acid position is poorly conserved in available vertebrate species. In addition, this alteration is predicted to be tolerated by in silico analysis. Since supporting evidence is limited at this time, the clinical significance of this alteration remains unclear.

Baylor Genetics
Classification: Uncertain significance for Familial cancer of breast. Last evaluated: 2023-11-19. Review status: criteria provided, single submitter. Criteria: ACMG Guidelines, 2015. Collection method: clinical testing. Allele origin: unknown.